The following is an entry in ClinVar:

ClinVar aggregate classification (germline): Conflicting classifications of pathogenicity. Review status: criteria provided, conflicting classifications (1 of 4 stars). 6 submissions from 6 submitters: Uncertain significance (1); Benign (1); Likely benign (4). Last evaluated 2026-01-01.

Conditions:
Joubert syndrome. Also called: JOUBERT-BOLTSHAUSER SYNDROME; Familial aplasia of the vermis. Identifiers: Orphanet 475, MedGen C5979921, MONDO:0018772.
Meckel-Gruber syndrome. Also called: Dysencephalia splachnocystica; DYSENCEPHALIA SPLANCHNOCYSTICA; GRUBER SYNDROME. Identifiers: Orphanet 564, MedGen C0265215, MONDO:0018921.

Allele frequency attached by ClinVar (database versions not stated): gnomAD exomes 0.00025 and 0.00053; ExAC 0.00082; ESP Exome Variant Server 0.00146; TOPMed 0.00204; gnomAD 0.00208 and 0.00224; 1000 Genomes Project 30x 0.00219; 1000 Genomes Project 0.00220.
gnomAD v4.1: 717 of 1,612,594 alleles (0.044%); highest among the groups gnomAD compares: African/African-American, 0.67%; 2 homozygotes.

Submissions (6):

CeGaT Center for Human Genetics Tuebingen
Classification: Likely benign. Last evaluated: 2026-01-01. Review status: criteria provided, single submitter. Criteria: CeGaT Center For Human Genetics Tuebingen Variant Classification Criteria Version 2. Collection method: clinical testing. Allele origin: germline. Affected: yes. Observed: 1 variant allele.
Comment: TCTN2: BP4, BS2

GeneDx
Classification: Likely benign. Last evaluated: 2025-04-05. Review status: criteria provided, single submitter. Criteria: GeneDx Variant Classification Process June 2021. Collection method: clinical testing. Allele origin: germline. Affected: yes.
Comment: See Variant Classification Assertion Criteria.

Mayo Clinic Laboratories, Mayo Clinic
Classification: Likely benign. Last evaluated: 2025-03-05. Review status: criteria provided, single submitter. Criteria: ACMG Guidelines, 2015. Collection method: clinical testing. Allele origin: germline. Observed: 1 variant allele.
Comment: BS1

Blueprint Genetics
Classification: Likely benign. Last evaluated: 2024-11-22. Review status: criteria provided, single submitter. Criteria: ACMG Guidelines, 2015. Collection method: clinical testing. Allele origin: germline.

Labcorp Genetics (formerly Invitae), Labcorp
Classification: Benign for Joubert syndrome; Meckel-Gruber syndrome. Last evaluated: 2015-10-30. Review status: criteria provided, single submitter. Criteria: Invitae Variant Classification Sherloc (09022015). Collection method: clinical testing. Allele origin: germline.

Eurofins Ntd Llc (ga)
Classification: Uncertain significance. Last evaluated: 2014-07-30. Review status: criteria provided, single submitter. Criteria: EGL Classification Definitions 2015. Collection method: clinical testing. Allele origin: germline. Observed: 1 variant allele, 1 heterozygote.

NM_024809.5(TCTN2):c.-2G>A

Gene: TCTN2 (tectonic family member 2; plus strand). Cytogenetic location: 12q24.31.
Variant type: single nucleotide variant.
Coding change: c.-2G>A on transcript NM_024809.5 (MANE Select); 2 bases upstream of the start codon, G replaced by A.
Molecular consequence: 5 prime UTR variant.
Genome position (GRCh38, 1-based): chr12:123,671,239, G>A. VCF-style: chr12-123671239-G-A. GRCh37 (hg19) VCF-style: chr12-124155786-G-A.
Other names: c.-2G>A (NM_001143850.3, NM_001410989.1).
Identifiers: ClinVar variation 193458 (VCV000193458.25), dbSNP rs141768405, ClinGen allele CA238978.